The following is an entry in ClinVar:

ClinVar aggregate classification (germline): Likely benign (1 of 4 stars; one submission).

Submission:

CeGaT Center for Human Genetics Tuebingen
Classification: Likely benign. Last evaluated: 2025-03-01. Review status: criteria provided, single submitter. Criteria: CeGaT Center For Human Genetics Tuebingen Variant Classification Criteria Version 2. Collection method: clinical testing. Allele origin: germline. Affected: yes. Observed: 1 variant allele.
Comment: GTF2IRD2B: BP4, BP7

NM_001003795.3(GTF2IRD2B):c.816G>A (p.Pro272=)

Gene: GTF2IRD2B (GTF2I repeat domain containing 2B; plus strand). Cytogenetic location: 7q11.23.
Variant type: single nucleotide variant.
Coding change: c.816G>A on transcript NM_001003795.3 (MANE Select); coding-DNA position 816, G replaced by A.
Protein change: p.Pro272=; no amino-acid change (proline 272 retained).
Molecular consequence: synonymous variant.
Genome position (GRCh38, 1-based): chr7:75,136,795, G>A. VCF-style: chr7-75136795-G-A. GRCh37 (hg19) VCF-style: chr7-74552602-G-A.
Other names: c.1302G>A, p.Pro434= (NM_001368302.1).
Identifiers: ClinVar variation 3778334 (VCV003778334.7).